The following is an entry in ClinVar:

ClinVar aggregate classification (germline): Uncertain significance (1 of 4 stars; one submission).

Conditions:
Aortic aneurysm, familial thoracic 4 (AAT4). Also called: AORTIC ANEURYSM/AORTIC DISSECTION AND PATENT DUCTUS ARTERIOSUS. Identifiers: MedGen C1851504, MONDO:0007568, OMIM 132900.

Submission:

Labcorp Genetics (formerly Invitae), Labcorp
Classification: Uncertain significance for Aortic aneurysm, familial thoracic 4. Last evaluated: 2023-07-17. Review status: criteria provided, single submitter. Criteria: Invitae Variant Classification Sherloc (09022015). Collection method: clinical testing. Allele origin: germline.
Comment: In summary, the available evidence is currently insufficient to determine the role of this variant in disease. Therefore, it has been classified as a Variant of Uncertain Significance. Advanced modeling of protein sequence and biophysical properties (such as structural, functional, and spatial information, amino acid conservation, physicochemical variation, residue mobility, and thermodynamic stability) performed at Invitae indicates that this missense variant is not expected to disrupt MYH11 protein function. This variant has not been reported in the literature in individuals affected with MYH11-related conditions. This variant is not present in population databases (gnomAD no frequency). This sequence change replaces glutamic acid, which is acidic and polar, with valine, which is neutral and non-polar, at codon 1361 of the MYH11 protein (p.Glu1361Val).

NM_002474.3(MYH11):c.4061A>T (p.Glu1354Val)

Genes: NDE1 (nudE neurodevelopment protein 1; plus strand), MYH11 (myosin heavy chain 11; minus strand). Cytogenetic location: 16p13.11.
Variant type: single nucleotide variant.
Coding change: c.4061A>T on transcript NM_002474.3 (MANE Select); coding-DNA position 4061, A replaced by T.
Protein change: p.Glu1354Val; replaces glutamic acid 1354 with valine.
Molecular consequence: missense variant. On other transcripts: 3 prime UTR variant (2).
Genome position (GRCh38, 1-based): chr16:15,724,702, T>A on the plus strand (A>T on the coding strand, the complement: MYH11 is on the minus strand). VCF-style: chr16-15724702-T-A. GRCh37 (hg19) VCF-style: chr16-15818559-T-A.
Other names: c.4082A>T, p.Glu1361Val (NM_001040113.2, NM_001040114.2); c.4061A>T, p.Glu1354Val (NM_022844.3); c.*451T>A (NM_001143979.2, NM_017668.3); short protein forms E1354V, E1361V.
Identifiers: ClinVar variation 2744382 (VCV002744382.3), dbSNP rs2506143835, ClinGen allele CA394858226.